The following is an entry in ClinVar:

ClinVar aggregate classification (germline): Uncertain significance. Review status: criteria provided, multiple submitters, no conflicts (2 of 4 stars). 5 submissions from 5 submitters: Uncertain significance (5). Last evaluated 2026-08-21.

Conditions:
FLNC-related disorder. Also called: FLNC-related disorders; FLNC-related condition.
Myofibrillar myopathy 5. Also called: FILAMINOPATHY, AUTOSOMAL DOMINANT; Filaminopathy (type). Identifiers: Orphanet 171445, MedGen C1836050, MONDO:0012289, OMIM 609524.
Dilated Cardiomyopathy, Dominant.
Hypertrophic cardiomyopathy 26. Also called: Cardiomyopathy, familial hypertrophic, 26. Identifiers: Orphanet 75249, MedGen C4310749, MONDO:0014883, OMIM 617047.
Distal myopathy with posterior leg and anterior hand involvement. Also called: WILLIAMS DISTAL MYOPATHY. Identifiers: Orphanet 63273, MedGen C3279722, MONDO:0013550, OMIM 614065.
Cardiovascular phenotype. Identifiers: MedGen CN230736.

Allele frequency attached by ClinVar (database versions not stated): ExAC 0.00001; gnomAD exomes 0.00001; gnomAD 0.00005; TOPMed 0.00017.
gnomAD v4.1: 37 of 1,613,660 alleles (0.0023%); highest among the groups gnomAD compares: Admixed American, 0.01%; no homozygotes.

Submissions (5):

GeneDx
Classification: Uncertain significance. Last evaluated: 2026-08-21. Review status: criteria provided, single submitter. Criteria: GeneDx Variant Classification Process June 2021. Collection method: clinical testing. Allele origin: germline.
Comment: In silico analysis supports that this missense variant has a deleterious effect on protein structure/function; Has not been previously published as pathogenic or benign to our knowledge

Ambry Genetics
Classification: Uncertain significance for Cardiovascular phenotype. Last evaluated: 2025-05-28. Review status: criteria provided, single submitter. Criteria: Ambry Variant Classification Scheme 2023. Collection method: clinical testing. Allele origin: germline.
Comment: The p.R1543W variant (also known as c.4627C>T), located in coding exon 27 of the FLNC gene, results from a C to T substitution at nucleotide position 4627. The arginine at codon 1543 is replaced by tryptophan, an amino acid with dissimilar properties. This amino acid position is conserved. In addition, the in silico prediction for this alteration is inconclusive. Since supporting evidence is limited at this time, the clinical significance of this alteration remains unclear.

PreventionGenetics, part of Exact Sciences
Classification: Uncertain significance for FLNC-related condition. Last evaluated: 2025-04-30. Review status: criteria provided, single submitter. Criteria: ACMG Guidelines, 2015. Collection method: clinical testing. Allele origin: germline.
Comment: The FLNC c.4627C>T variant is predicted to result in the amino acid substitution p.Arg1543Trp. To our knowledge, this variant has not been reported in the literature. This variant is reported in 0.0029% of alleles in individuals of Latino descent in gnomAD. At this time, the clinical significance of this variant is uncertain due to the absence of conclusive functional and genetic evidence.

Labcorp Genetics (formerly Invitae), Labcorp
Classification: Uncertain significance for Distal myopathy with posterior leg and anterior hand involvement; Myofibrillar myopathy 5; Hypertrophic cardiomyopathy 26. Last evaluated: 2024-11-13. Review status: criteria provided, single submitter. Criteria: Invitae Variant Classification Sherloc (09022015). Collection method: clinical testing. Allele origin: germline.
Comment: This sequence change replaces arginine, which is basic and polar, with tryptophan, which is neutral and slightly polar, at codon 1543 of the FLNC protein (p.Arg1543Trp). The frequency data for this variant in the population databases is considered unreliable, as metrics indicate poor data quality at this position in the gnomAD database. This variant has not been reported in the literature in individuals affected with FLNC-related conditions. ClinVar contains an entry for this variant (Variation ID: 472073). Invitae Evidence Modeling of protein sequence and biophysical properties (such as structural, functional, and spatial information, amino acid conservation, physicochemical variation, residue mobility, and thermodynamic stability) has been performed for this missense variant. However, the output from this modeling did not meet the statistical confidence thresholds required to predict the impact of this variant on FLNC protein function. In summary, the available evidence is currently insufficient to determine the role of this variant in disease. Therefore, it has been classified as a Variant of Uncertain Significance.

Blueprint Genetics
Classification: Uncertain significance. Last evaluated: 2018-05-11. Review status: criteria provided, single submitter. Criteria: ACMG Guidelines, 2015. Collection method: clinical testing. Allele origin: germline.

NM_001458.5(FLNC):c.4627C>T (p.Arg1543Trp)

Gene: FLNC (filamin C; plus strand). Cytogenetic location: 7q32.1.
Variant type: single nucleotide variant.
Coding change: c.4627C>T on transcript NM_001458.5 (MANE Select); coding-DNA position 4627, C replaced by T.
Protein change: p.Arg1543Trp; replaces arginine 1543 with tryptophan.
Molecular consequence: missense variant.
Genome position (GRCh38, 1-based): chr7:128,848,607, C>T. VCF-style: chr7-128848607-C-T. GRCh37 (hg19) VCF-style: chr7-128488661-C-T.
Other names: c.4627C>T, p.Arg1543Trp (NM_001127487.2); short protein forms R1543W.
Identifiers: ClinVar variation 472073 (VCV000472073.15), dbSNP rs745648230, ClinGen allele CA4475405.
Genomic context (GRCh38, chr7:128,848,607, plus strand): 5'-TTCTGCTCCTCAAGCCCCTTCAAGATCAAGGTCCTCCCAGCTCATGATGCCAGCAAGGTG[C>T]GGGCCAGCGGCCCAGGCCTCAACGCCTCTGGCATCCCTGCCAGCCTGCCTGTGGAGTTCA-3'
Protein context (NP_001449.3, residues 1533-1553): VLPAHDASKV[Arg1543Trp]ASGPGLNASG